The following is an entry in ClinVar:

NM_000404.4(GLB1):c.838C>G (p.Pro280Ala)

Gene: GLB1 (galactosidase beta 1; minus strand). Cytogenetic location: 3p22.3.
Variant type: single nucleotide variant.
Coding change: c.838C>G on transcript NM_000404.4 (MANE Select); coding-DNA position 838, C replaced by G.
Protein change: p.Pro280Ala; replaces proline 280 with alanine.
Molecular consequence: missense variant.
Genome position (GRCh38, 1-based): chr3:33,051,959, G>C on the plus strand (C>G on the coding strand, the complement: GLB1 is on the minus strand). VCF-style: chr3-33051959-G-C. GRCh37 (hg19) VCF-style: chr3-33093451-G-C.
Other names: c.748C>G, p.Pro250Ala (NM_001079811.3); c.445C>G, p.Pro149Ala (NM_001135602.3); c.982C>G, p.Pro328Ala (NM_001317040.2); c.838C>G, p.Pro280Ala (NM_001393580.1); short protein forms P149A, P250A, P280A, P328A.
Identifiers: ClinVar variation 1717336 (VCV001717336.5), dbSNP rs2471375031, ClinGen allele CA352001510.
Genomic context (GRCh38, chr3:33,051,959, plus strand): 5'-CACGGGCAAGTATATCATAGAGGGAGGAAGCCACTGCTTCGGTCTTGATTGTGGAGTGAG[G>C]TTGGCCCCAGTGATCTAGCCAGCCAGTATAGAATTCAGAATTGATCTAAAACAAAAAAAG-3'
Protein context (NP_000395.3, residues 270-290): YTGWLDHWGQ[Pro280Ala]HSTIKTEAVA

ClinVar aggregate classification (germline): Uncertain significance (1 of 4 stars; one submission).

Conditions:
Mucopolysaccharidosis, MPS-IV-B (MPS4B). Also called: Mucopolysaccharidosis Type IVB (Morquio B Disease); Mucopolysaccharidosis type 4B; MORQUIO SYNDROME B; Mucopolysaccharidosis type IVB (Morquio); MPS IVB; Mucopolysaccharidosis type IV B. Identifiers: Orphanet 309310, Orphanet 582, MedGen C0086652, MONDO:0009660, OMIM 253010.
GM1 gangliosidosis. Identifiers: Orphanet 354, MedGen C0085131, MONDO:0018149.

Submission:

Labcorp Genetics (formerly Invitae), Labcorp
Classification: Uncertain significance for Mucopolysaccharidosis, MPS-IV-B; GM1 gangliosidosis. Last evaluated: 2024-02-17. Review status: criteria provided, single submitter. Criteria: Invitae Variant Classification Sherloc (09022015). Collection method: clinical testing. Allele origin: germline.
Comment: This sequence change replaces proline, which is neutral and non-polar, with alanine, which is neutral and non-polar, at codon 280 of the GLB1 protein (p.Pro280Ala). This variant is not present in population databases (gnomAD no frequency). This variant has not been reported in the literature in individuals affected with GLB1-related conditions. ClinVar contains an entry for this variant (Variation ID: 1717336). Algorithms developed to predict the effect of missense changes on protein structure and function output the following: SIFT: "Not Available"; PolyPhen-2: "Benign"; Align-GVGD: "Not Available". The alanine amino acid residue is found in multiple mammalian species, which suggests that this missense change does not adversely affect protein function. In summary, the available evidence is currently insufficient to determine the role of this variant in disease. Therefore, it has been classified as a Variant of Uncertain Significance.